The following is an entry in ClinVar:

ClinVar aggregate classification (germline): Uncertain significance (1 of 4 stars; one submission).

Conditions:
Hereditary cancer-predisposing syndrome. Also called: Neoplastic Syndromes, Hereditary; Tumor predisposition; Hereditary Cancer Syndrome; Hereditary neoplastic syndrome. Identifiers: Orphanet 140162, MedGen C0027672, MeSH D009386, MONDO:0015356.

Submission:

Ambry Genetics
Classification: Uncertain significance for Hereditary cancer-predisposing syndrome. Last evaluated: 2025-09-16. Review status: criteria provided, single submitter. Criteria: Ambry Variant Classification Scheme 2023. Collection method: clinical testing. Allele origin: germline.
Comment: The p.T2823R variant (also known as c.8468C>G), located in coding exon 15 of the APC gene, results from a C to G substitution at nucleotide position 8468. The threonine at codon 2823 is replaced by arginine, an amino acid with similar properties. This amino acid position is conserved. In addition, in silico predictors for this gene do not accurately predict pathogenicity. Based on the available evidence, the clinical significance of this variant remains unclear.

NM_000038.6(APC):c.8468C>G (p.Thr2823Arg)

Gene: APC (APC regulator of Wnt signaling pathway; plus strand). Cytogenetic location: 5q22.2.
Variant type: single nucleotide variant.
Coding change: c.8468C>G on transcript NM_000038.6 (MANE Select); coding-DNA position 8468, C replaced by G.
Protein change: p.Thr2823Arg; replaces threonine 2823 with arginine.
Molecular consequence: missense variant. On other transcripts: non-coding transcript variant (2).
Genome position (GRCh38, 1-based): chr5:112,844,062, C>G. VCF-style: chr5-112844062-C-G. GRCh37 (hg19) VCF-style: chr5-112179759-C-G.
Other names: c.8468C>G, p.Thr2823Arg (NM_001127510.3, NM_001354895.2, NM_001407450.1); c.8414C>G, p.Thr2805Arg (NM_001127511.3); c.8522C>G, p.Thr2841Arg (NM_001354896.2, NM_001407447.1, NM_001407448.1 and 1 more transcripts); c.8498C>G, p.Thr2833Arg (NM_001354897.2); c.8393C>G, p.Thr2798Arg (NM_001354898.2); c.8384C>G, p.Thr2795Arg (NM_001354899.2); c.8345C>G, p.Thr2782Arg (NM_001354900.2); c.8291C>G, p.Thr2764Arg (NM_001354901.2, NM_001407453.1); and 11 more; short protein forms T2540R, T2694R, T2697R, T2764R, T2798R, T2823R, T2833R, T2439R.
Identifiers: ClinVar variation 4575822 (VCV004575822.1).
Genomic context (GRCh38, chr5:112,844,062, plus strand): 5'-CTCAGATCCCAACTCCAGTGAATAACAACACAAAGAAGCGAGATTCCAAAACTGACAGCA[C>G]AGAATCCAGTGGAACCCAAAGTCCTAAGCGCCATTCTGGGTCTTACCTTGTGACATCTGT-3'
Protein context (NP_000029.2, residues 2813-2833): TKKRDSKTDS[Thr2823Arg]ESSGTQSPKR